The following is an entry in ClinVar:

NM_206933.4(USH2A):c.8178G>A (p.Gly2726=)

Gene: USH2A (usherin; minus strand). Cytogenetic location: 1q41.
Variant type: single nucleotide variant.
Coding change: c.8178G>A on transcript NM_206933.4 (MANE Select); coding-DNA position 8178, G replaced by A.
Protein change: p.Gly2726=; no amino-acid change (glycine 2726 retained).
Molecular consequence: synonymous variant.
Genome position (GRCh38, 1-based): chr1:215,888,471, C>T on the plus strand (G>A on the coding strand, the complement: USH2A is on the minus strand). VCF-style: chr1-215888471-C-T. GRCh37 (hg19) VCF-style: chr1-216061813-C-T.
Other names: c.8178G>A (NM_206933.2).
Identifiers: ClinVar variation 1122107 (VCV001122107.11), dbSNP rs771581716, ClinGen allele CA1394670.

ClinVar aggregate classification (germline): Likely benign. Review status: criteria provided, multiple submitters, no conflicts (2 of 4 stars). 3 submissions from 3 submitters: Likely benign (3). Last evaluated 2026-05-06.

Conditions:
USH2A-related disorder. Also called: USH2A-related condition; USH2A-related disorders. Identifiers: MedGen CN239332.

Allele frequency attached by ClinVar (database versions not stated): TOPMed 0.00002; gnomAD 0.00003.
gnomAD v4.1: 52 of 1,613,702 alleles (0.0032%); highest among the groups gnomAD compares: Non-Finnish European, 0.0036%; no homozygotes.

Submissions (3):

PreventionGenetics, part of Exact Sciences
Classification: Likely benign for USH2A-related condition. Last evaluated: 2026-05-06. Review status: criteria provided, single submitter. Criteria: ACMG Guidelines, 2015. Collection method: clinical testing. Allele origin: germline.
Comment: This variant is classified as likely benign based on ACMG/AMP sequence variant interpretation guidelines (Richards et al. 2015 PMID: 25741868, with internal and published modifications).

Labcorp Genetics (formerly Invitae), Labcorp
Classification: Likely benign. Last evaluated: 2026-01-24. Review status: criteria provided, single submitter. Criteria: Invitae Variant Classification Sherloc (09022015). Collection method: clinical testing. Allele origin: germline.

Blueprint Genetics
Classification: Likely benign. Last evaluated: 2019-09-03. Review status: criteria provided, single submitter. Criteria: ACMG Guidelines, 2015. Collection method: clinical testing. Allele origin: germline.